The following is an entry in ClinVar:

NM_000634.3(CXCR1):c.915C>T (p.Tyr305=)

Gene: CXCR1 (C-X-C motif chemokine receptor 1; minus strand). Cytogenetic location: 2q35.
Variant type: single nucleotide variant.
Coding change: c.915C>T on transcript NM_000634.3 (MANE Select); coding-DNA position 915, C replaced by T.
Protein change: p.Tyr305=; no amino-acid change (tyrosine 305 retained).
Molecular consequence: synonymous variant.
Genome position (GRCh38, 1-based): chr2:218,164,297, G>A on the plus strand (C>T on the coding strand, the complement: CXCR1 is on the minus strand). VCF-style: chr2-218164297-G-A. GRCh37 (hg19) VCF-style: chr2-219029020-G-A.
Identifiers: ClinVar variation 3042962 (VCV003042962.2), dbSNP rs144295545, ClinGen allele CA2101914.

ClinVar aggregate classification (germline): Likely benign (0 of 4 stars; one submission).

Conditions:
CXCR1-related disorder. Also called: CXCR1-related condition.

Allele frequency attached by ClinVar (database versions not stated): gnomAD exomes 0.00012; ExAC 0.00015; gnomAD 0.00016; TOPMed 0.00020; ESP Exome Variant Server 0.00038; 1000 Genomes Project 0.00080; 1000 Genomes Project 30x 0.00094.

Submission:

PreventionGenetics, part of Exact Sciences
Classification: Likely benign for CXCR1-related condition. Last evaluated: 2019-06-20. Review status: no assertion criteria provided. Collection method: clinical testing. Allele origin: germline.
Comment: This variant is classified as likely benign based on ACMG/AMP sequence variant interpretation guidelines (Richards et al. 2015 PMID: 25741868, with internal and published modifications).